The following is an entry in ClinVar:

NM_000059.4(BRCA2):c.3122_3123insA (p.Ser1041fs)

Gene: BRCA2 (BRCA2 DNA repair associated; plus strand). Cytogenetic location: 13q13.1.
Variant type: Insertion.
Coding change: c.3122_3123insA on transcript NM_000059.4 (MANE Select); coding-DNA positions 3122 to 3123, A inserted.
Protein change: p.Ser1041fs; shifts the reading frame from serine 1041.
Molecular consequence: frameshift variant. On other transcripts: non-coding transcript variant (1), intron variant (2).
Genome position: GRCh38 VCF-style: chr13-32337477-G-GA. GRCh37 (hg19) VCF-style: chr13-32911614-G-GA.
Other names: c.3122_3123insA, p.Ser1041fs (NM_001406719.1, NM_001406720.1, NM_001432077.1); c.1909+4090_1909+4091insA (NM_001406721.1); c.424+6447_424+6448insA (NM_001406722.1); short protein forms S1041fs.
Identifiers: ClinVar variation 5033330 (VCV005033330.1).

ClinVar aggregate classification (germline): Pathogenic (1 of 4 stars; one submission).

Conditions:
Hereditary cancer-predisposing syndrome. Also called: Neoplastic Syndromes, Hereditary; Tumor predisposition; Hereditary neoplastic syndrome; Hereditary Cancer Syndrome. Identifiers: Orphanet 140162, MedGen C0027672, MeSH D009386, MONDO:0015356.

Submission:

Ambry Genetics
Classification: Pathogenic for Hereditary cancer-predisposing syndrome. Last evaluated: 2026-08-04. Review status: criteria provided, single submitter. Criteria: Ambry Variant Classification Scheme 2023. Collection method: clinical testing. Allele origin: germline.
Comment: The c.3122_3123insA pathogenic mutation, located in coding exon 10 of the BRCA2 gene, results from an insertion of one nucleotide at position 3122, causing a translational frameshift with a predicted alternate stop codon (p.S1041Rfs*6). This variant is considered to be rare based on population cohorts in the Genome Aggregation Database (gnomAD). This alteration is expected to result in loss of function by premature protein truncation or nonsense-mediated mRNA decay. As such, this alteration is interpreted as a disease-causing mutation.